The following is an entry in ClinVar:

NM_019109.5(ALG1):c.361A>C (p.Arg121=)

Gene: ALG1 (ALG1 chitobiosyldiphosphodolichol beta-mannosyltransferase; plus strand). Cytogenetic location: 16p13.3.
Variant type: single nucleotide variant.
Coding change: c.361A>C on transcript NM_019109.5 (MANE Select); coding-DNA position 361, A replaced by C.
Protein change: p.Arg121=; no amino-acid change (arginine 121 retained).
Molecular consequence: synonymous variant.
Genome position (GRCh38, 1-based): chr16:5,073,227, A>C. VCF-style: chr16-5073227-A-C. GRCh37 (hg19) VCF-style: chr16-5123228-A-C.
Other names: c.28A>C, p.Arg10= (NM_001330504.2).
Identifiers: ClinVar variation 739528 (VCV000739528.10), dbSNP rs149695050, ClinGen allele CA7889793.
Genomic context (GRCh38, chr16:5,073,227, plus strand): 5'-TTCCAGTACGGAGTCAAAGTTGTACTTCAGGCTATGTACTTGCTGTGGAAGTTGATGTGG[A>C]GGGAGCCAGGTGCCTATATCTTTCTCCAGGTGTGTATCAGCCTCTGCCTCCCTCTGTGAG-3'
Protein context (NP_061982.3, residues 111-131): AMYLLWKLMW[Arg121=]EPGAYIFLQN

ClinVar aggregate classification (germline): Likely benign. Review status: criteria provided, multiple submitters, no conflicts (2 of 4 stars). 3 submissions from 3 submitters: Likely benign (2). 1 of the submissions does not count toward it. Last evaluated 2026-01-26.

Conditions:
ALG1-congenital disorder of glycosylation. Also called: CDG Ik; CONGENITAL DISORDER OF GLYCOSYLATION, TYPE Ik; ALG1-CDG. Identifiers: Orphanet 79327, MedGen C2931005, MONDO:0012052, OMIM 608540.
ALG1-related disorder. Also called: ALG1-related condition.

Allele frequency attached by ClinVar (database versions not stated): ExAC 0.00004; gnomAD 0.00012 and 0.00016; TOPMed 0.00016; ESP Exome Variant Server 0.00023.
gnomAD v4.1: 35 of 1,614,044 alleles (0.0022%); highest among the groups gnomAD compares: African/African-American, 0.044%; no homozygotes.

Submissions (3):

Labcorp Genetics (formerly Invitae), Labcorp
Classification: Likely benign for ALG1-congenital disorder of glycosylation. Last evaluated: 2026-01-26. Review status: criteria provided, single submitter. Criteria: Invitae Variant Classification Sherloc (09022015). Collection method: clinical testing. Allele origin: germline.

Fulgent Genetics
Classification: Likely benign for ALG1-congenital disorder of glycosylation. Last evaluated: 2021-12-17. Review status: criteria provided, single submitter. Criteria: ACMG Guidelines, 2015. Collection method: clinical testing. Allele origin: unknown.

PreventionGenetics, part of Exact Sciences
Classification: Likely benign for ALG1-related condition. Last evaluated: 2019-08-28. Review status: no assertion criteria provided. Collection method: clinical testing. Allele origin: germline. Not counted in ClinVar's aggregate classification.
Comment: This variant is classified as likely benign based on ACMG/AMP sequence variant interpretation guidelines (Richards et al. 2015 PMID: 25741868, with internal and published modifications).